The following is an entry in ClinVar:

ClinVar aggregate classification (germline): Uncertain significance (1 of 4 stars; one submission).

Conditions:
Multiple acyl-CoA dehydrogenase deficiency (MADD). Also called: Glutaric Acidemia type 2; Glutaric acidemia type II; GA 2; ETHYLMALONIC-ADIPICACIDURIA; GA II; Glutaric aciduria, type 2. Identifiers: Orphanet 26791, MedGen C0268596, MONDO:0009282, OMIM 231680.

Submission:

Labcorp Genetics (formerly Invitae), Labcorp
Classification: Uncertain significance for Multiple acyl-CoA dehydrogenase deficiency. Last evaluated: 2019-08-02. Review status: criteria provided, single submitter. Criteria: Invitae Variant Classification Sherloc (09022015). Collection method: clinical testing. Allele origin: germline.
Comment: This sequence change replaces glycine with serine at codon 370 of the ETFDH protein (p.Gly370Ser). The glycine residue is highly conserved and there is a small physicochemical difference between glycine and serine. This variant is not present in population databases (ExAC no frequency). Algorithms developed to predict the effect of missense changes on protein structure and function (SIFT, PolyPhen-2, Align-GVGD) all suggest that this variant is likely to be disruptive, but these predictions have not been confirmed by published functional studies and their clinical significance is uncertain. In summary, the available evidence is currently insufficient to determine the role of this variant in disease. Therefore, it has been classified as a Variant of Uncertain Significance.

NM_004453.4(ETFDH):c.1108G>A (p.Gly370Ser)

Gene: ETFDH (electron transfer flavoprotein dehydrogenase; plus strand). Cytogenetic location: 4q32.1.
Variant type: single nucleotide variant.
Coding change: c.1108G>A on transcript NM_004453.4 (MANE Select); coding-DNA position 1108, G replaced by A.
Protein change: p.Gly370Ser; replaces glycine 370 with serine.
Molecular consequence: missense variant.
Genome position (GRCh38, 1-based): chr4:158,699,122, G>A. VCF-style: chr4-158699122-G-A. GRCh37 (hg19) VCF-style: chr4-159620274-G-A.
Other names: c.967G>A, p.Gly323Ser (NM_001281737.2); c.925G>A, p.Gly309Ser (NM_001281738.1); short protein forms G309S, G370S, G323S.
Identifiers: ClinVar variation 958884 (VCV000958884.1), dbSNP rs1774393063, ClinGen allele CA358562367.